The following is an entry in ClinVar:

NM_000075.4(CDK4):c.200A>T (p.Glu67Val)

Genes: CDK4 (cyclin dependent kinase 4; minus strand), LOC130008148 (ATAC-STARR-seq lymphoblastoid silent region 4588; plus strand). Cytogenetic location: 12q14.1.
Variant type: single nucleotide variant.
Coding change: c.200A>T on transcript NM_000075.4 (MANE Select); coding-DNA position 200, A replaced by T.
Protein change: p.Glu67Val; replaces glutamic acid 67 with valine.
Molecular consequence: missense variant.
Genome position (GRCh38, 1-based): chr12:57,751,518, T>A on the plus strand (A>T on the coding strand, the complement: CDK4 is on the minus strand). VCF-style: chr12-57751518-T-A. GRCh37 (hg19) VCF-style: chr12-58145301-T-A.
Other names: short protein forms E67V.
Identifiers: ClinVar variation 1059884 (VCV001059884.9), dbSNP rs1955236749, ClinGen allele CA385548486.

ClinVar aggregate classification (germline): Uncertain significance (1 of 4 stars; one submission).

Conditions:
Familial melanoma. Also called: Hereditary melanoma; Hereditary cutaneous melanoma. Identifiers: Orphanet 618, MedGen C1512419, MONDO:0018961.

Submission:

Labcorp Genetics (formerly Invitae), Labcorp
Classification: Uncertain significance for Familial melanoma. Last evaluated: 2020-03-11. Review status: criteria provided, single submitter. Criteria: Invitae Variant Classification Sherloc (09022015). Collection method: clinical testing. Allele origin: germline.
Comment: In summary, the available evidence is currently insufficient to determine the role of this variant in disease. Therefore, it has been classified as a Variant of Uncertain Significance. Algorithms developed to predict the effect of missense changes on protein structure and function are either unavailable or do not agree on the potential impact of this missense change (SIFT: "Deleterious"; PolyPhen-2: "Benign"; Align-GVGD: "Class C0"). This variant has not been reported in the literature in individuals with CDK4-related conditions. This variant is not present in population databases (ExAC no frequency). This sequence change replaces glutamic acid with valine at codon 67 of the CDK4 protein (p.Glu67Val). The glutamic acid residue is moderately conserved and there is a moderate physicochemical difference between glutamic acid and valine.